The following is an entry in ClinVar:

NM_016239.4(MYO15A):c.4370G>A (p.Arg1457Gln)

Gene: MYO15A (myosin XVA; plus strand). Cytogenetic location: 17p11.2.
Variant type: single nucleotide variant.
Coding change: c.4370G>A on transcript NM_016239.4 (MANE Select); coding-DNA position 4370, G replaced by A.
Protein change: p.Arg1457Gln; replaces arginine 1457 with glutamine.
Molecular consequence: missense variant.
Genome position (GRCh38, 1-based): chr17:18,133,274, G>A. VCF-style: chr17-18133274-G-A. GRCh37 (hg19) VCF-style: chr17-18036588-G-A.
Other names: short protein forms R1457Q.
Identifiers: ClinVar variation 3368939 (VCV003368939.1).

ClinVar aggregate classification (germline): Uncertain significance (1 of 4 stars; one submission).

Submission:

GeneDx
Classification: Uncertain significance. Last evaluated: 2024-02-09. Review status: criteria provided, single submitter. Criteria: GeneDx Variant Classification Process June 2021. Collection method: clinical testing. Allele origin: germline. Affected: yes.
Comment: In silico analysis supports that this missense variant does not alter protein structure/function; Has not been previously published as pathogenic or benign to our knowledge